The following is an entry in ClinVar:

ClinVar aggregate classification (germline): Conflicting classifications of pathogenicity. Review status: criteria provided, conflicting classifications (1 of 4 stars). 9 submissions from 6 submitters: Uncertain significance (1); Benign (6); Likely benign (2). Last evaluated 2024-11-01.

Conditions:
Cardiomyopathy (CMYO). Also called: Cardiomyopathies. Identifiers: Orphanet 167848, MedGen C0878544, MONDO:0004994, HP:0001638. Inheritance: Various modes of inheritance.
Early-onset myopathy with fatal cardiomyopathy (CMYO5). Also called: Salih Myopathy; CONGENITAL MYOPATHY 5 WITH CARDIOMYOPATHY. Identifiers: Orphanet 289377, MedGen C2673677, MONDO:0012714, OMIM 611705. Disease mechanism: loss of function.
Autosomal recessive limb-girdle muscular dystrophy type 2J (LGMDR10). Also called: Limb-girdle muscular dystrophy, type 2J; MUSCULAR DYSTROPHY, LIMB-GIRDLE, AUTOSOMAL RECESSIVE 10. Identifiers: Orphanet 140922, MedGen C1837342, MONDO:0012127, OMIM 608807.
Tibial muscular dystrophy (TMD). Also called: Tibial muscular dystrophy, tardive; Udd Distal Myopathy – Tibial Muscular Dystrophy; UDD MYOPATHY. Identifiers: Orphanet 609, MedGen C1838244, MONDO:0010870, OMIM 600334.
Myopathy, myofibrillar, 9, with early respiratory failure (MFM9). Also called: Hereditary myopathy with early respiratory failure; MYOPATHY, PROXIMAL, WITH EARLY RESPIRATORY MUSCLE INVOLVEMENT; Myopathy, distal, with early respiratory failure, autosomal dominant; EDSTROM MYOPATHY. Identifiers: Orphanet 178464, Orphanet 34521, MedGen C1863599, MONDO:0011362, OMIM 603689.

Allele frequency attached by ClinVar (database versions not stated): TOPMed 0.00002; ExAC 0.00012; gnomAD exomes 0.00014.
gnomAD v4.1: 123 of 1,613,800 alleles (0.0076%); highest among the groups gnomAD compares: South Asian, 0.099%; no homozygotes.

Submissions (9):

Revvity Omics, Revvity
Classification: Uncertain significance. Last evaluated: 2024-11-01. Review status: criteria provided, single submitter. Criteria: ACMG Guidelines, 2015. Collection method: clinical testing. Allele origin: germline.

Blueprint Genetics
Classification: Likely benign. Last evaluated: 2023-03-22. Review status: criteria provided, single submitter. Criteria: ACMG Guidelines, 2015. Collection method: clinical testing. Allele origin: germline.

Genome-Nilou Lab
Classification: Benign for Autosomal recessive limb-girdle muscular dystrophy type 2J. Last evaluated: 2021-09-10. Review status: criteria provided, single submitter. Criteria: ACMG Guidelines, 2015. Collection method: clinical testing. Allele origin: germline. Affected: no.

Genome-Nilou Lab
Classification: Benign for Myopathy, myofibrillar, 9, with early respiratory failure. Last evaluated: 2021-09-10. Review status: criteria provided, single submitter. Criteria: ACMG Guidelines, 2015. Collection method: clinical testing. Allele origin: germline. Affected: no.

Genome-Nilou Lab
Classification: Benign for Early-onset myopathy with fatal cardiomyopathy. Last evaluated: 2021-09-10. Review status: criteria provided, single submitter. Criteria: ACMG Guidelines, 2015. Collection method: clinical testing. Allele origin: germline. Affected: no.

Genome-Nilou Lab
Classification: Benign for Tibial muscular dystrophy. Last evaluated: 2021-09-10. Review status: criteria provided, single submitter. Criteria: ACMG Guidelines, 2015. Collection method: clinical testing. Allele origin: germline. Affected: no.

Laboratory for Molecular Medicine, Mass General Brigham Personalized Medicine
Classification: Benign. Last evaluated: 2019-07-08. Review status: criteria provided, single submitter. Criteria: LMM Criteria. Collection method: clinical testing. Allele origin: germline. Observed: 1 variant allele.
Comment: proposed classification - variant undergoing re-assessment, contact laboratory

GeneDx
Classification: Likely benign. Last evaluated: 2018-08-21. Review status: criteria provided, single submitter. Criteria: GeneDx Variant Classification Process June 2021. Collection method: clinical testing. Allele origin: germline. Affected: yes.

CHEO Genetics Diagnostic Laboratory, Children's Hospital of Eastern Ontario
Classification: Benign for Cardiomyopathy. Last evaluated: 2018-07-30. Review status: criteria provided, single submitter. Criteria: ACMG Guidelines, 2015. Collection method: clinical testing. Allele origin: germline.

NM_001267550.2(TTN):c.28678G>A (p.Asp9560Asn)

Gene: TTN (titin; minus strand). Cytogenetic location: 2q31.2.
Variant type: single nucleotide variant.
Coding change: c.28678G>A on transcript NM_001267550.2 (MANE Select); coding-DNA position 28678, G replaced by A.
Protein change: p.Asp9560Asn; replaces aspartic acid 9560 with asparagine.
Molecular consequence: missense variant. On other transcripts: intron variant (3).
Genome position (GRCh38, 1-based): chr2:178,709,641, C>T on the plus strand (G>A on the coding strand, the complement: TTN is on the minus strand). VCF-style: chr2-178709641-C-T. GRCh37 (hg19) VCF-style: chr2-179574368-C-T.
Other names: c.13282+28441G>A (NM_003319.4); c.13858+28441G>A (NM_133437.4); c.13657+28441G>A (NM_133432.3); c.27727G>A, p.Asp9243Asn (NM_001256850.1); c.24946G>A, p.Asp8316Asn (NM_133378.4); short protein forms D8316N, D9560N, D9243N.
Identifiers: ClinVar variation 229410 (VCV000229410.14), dbSNP rs771843862, ClinGen allele CA1999553.